The following is an entry in ClinVar:

ClinVar aggregate classification (germline): Likely benign. Review status: criteria provided, multiple submitters, no conflicts (2 of 4 stars). 2 submissions from 2 submitters: Likely benign (2). Last evaluated 2025-09-23.

Allele frequency attached by ClinVar (database versions not stated): gnomAD 0.00001; gnomAD exomes 0.00001; TOPMed 0.00001; ExAC 0.00002.
gnomAD v4.1: 22 of 1,612,674 alleles (0.0014%); highest among the groups gnomAD compares: East Asian, 0.0022%; no homozygotes.

Submissions (2):

Mayo Clinic Laboratories, Mayo Clinic
Classification: Likely benign. Last evaluated: 2025-09-23. Review status: criteria provided, single submitter. Criteria: ACMG Guidelines, 2015. Collection method: clinical testing. Allele origin: germline. Observed: 1 variant allele.
Comment: BP4, BP7

Labcorp Genetics (formerly Invitae), Labcorp
Classification: Likely benign. Last evaluated: 2025-03-13. Review status: criteria provided, single submitter. Criteria: Invitae Variant Classification Sherloc (09022015). Collection method: clinical testing. Allele origin: germline.

NM_002972.4(SBF1):c.4545C>T (p.Cys1515=)

Gene: SBF1 (SET binding factor 1; minus strand). Cytogenetic location: 22q13.33.
Variant type: single nucleotide variant.
Coding change: c.4545C>T on transcript NM_002972.4 (MANE Select); coding-DNA position 4545, C replaced by T.
Protein change: p.Cys1515=; no amino-acid change (cysteine 1515 retained).
Molecular consequence: synonymous variant.
Genome position (GRCh38, 1-based): chr22:50,455,233, G>A on the plus strand (C>T on the coding strand, the complement: SBF1 is on the minus strand). VCF-style: chr22-50455233-G-A. GRCh37 (hg19) VCF-style: chr22-50893662-G-A.
Other names: p.Cys1515=; c.4470C>T, p.Cys1490= (NM_001365819.1).
Identifiers: ClinVar variation 761734 (VCV000761734.8), dbSNP rs780031047, ClinGen allele CA10316230.
Genomic context (GRCh38, chr22:50,455,233, plus strand): 5'-TCAGCGGTCAGGGTGCACAGTCCCGGCCCACCCACACAGCGGCCTGCCCACCTGGTGTAC[G>A]CAGTCCAGGAACTGCAGGAAGACGGGTGTGAAGCCGCTGCTCTGCCCGGCCAGGGTGTGA-3'
Protein context (NP_002963.2, residues 1505-1525): FTPVFLQFLD[Cys1515=]VHQVHLQFPM